The following is an entry in ClinVar:

ClinVar aggregate classification (germline): Uncertain significance (1 of 4 stars; one submission).

gnomAD v4.1: 1 of 1,613,048 alleles (0.000062%); highest among the groups gnomAD compares: Non-Finnish European, 0.000085%; no homozygotes.

Submission:

Labcorp Genetics (formerly Invitae), Labcorp
Classification: Uncertain significance. Last evaluated: 2025-02-16. Review status: criteria provided, single submitter. Criteria: Invitae Variant Classification Sherloc (09022015). Collection method: clinical testing. Allele origin: germline.
Comment: This sequence change replaces isoleucine, which is neutral and non-polar, with phenylalanine, which is neutral and non-polar, at codon 484 of the PACS2 protein (p.Ile484Phe). This variant is not present in population databases (gnomAD no frequency). This variant has not been reported in the literature in individuals affected with PACS2-related conditions. Invitae Evidence Modeling of protein sequence and biophysical properties (such as structural, functional, and spatial information, amino acid conservation, physicochemical variation, residue mobility, and thermodynamic stability) indicates that this missense variant is expected to disrupt PACS2 protein function with a positive predictive value of 80%. In summary, the available evidence is currently insufficient to determine the role of this variant in disease. Therefore, it has been classified as a Variant of Uncertain Significance.

NM_001100913.3(PACS2):c.1450A>T (p.Ile484Phe)

Gene: PACS2 (phosphofurin acidic cluster sorting protein 2; plus strand). Cytogenetic location: 14q32.33.
Variant type: single nucleotide variant.
Coding change: c.1450A>T on transcript NM_001100913.3 (MANE Select); coding-DNA position 1450, A replaced by T.
Protein change: p.Ile484Phe; replaces isoleucine 484 with phenylalanine.
Molecular consequence: missense variant.
Genome position (GRCh38, 1-based): chr14:105,382,513, A>T. VCF-style: chr14-105382513-A-T. GRCh37 (hg19) VCF-style: chr14-105848850-A-T.
Other names: c.1213A>T, p.Ile405Phe (NM_001243127.3); c.1438A>T, p.Ile480Phe (NM_015197.4); short protein forms I480F, I405F, I484F.
Identifiers: ClinVar variation 4774900 (VCV004774900.1).
Genomic context (GRCh38, chr14:105,382,513, plus strand): 5'-GTGGACAGGGCTCTGTGCCTCCAGATCCCCAGGAAGACTGTGTATGACCAGCTCAACCAC[A>T]TCCTCATCTCCGATGACCAGCTTCCCGAAAACATCATCCTTGTCAACACCTCGGACTGGC-3'
Protein context (NP_001094383.2, residues 474-494): RKTVYDQLNH[Ile484Phe]LISDDQLPEN